The following is an entry in ClinVar:

NM_138773.4(SLC25A46):c.998del (p.Pro333fs)

Gene: SLC25A46 (solute carrier family 25 member 46; plus strand). Cytogenetic location: 5q22.1.
Variant type: Deletion.
Coding change: c.998del on transcript NM_138773.4 (MANE Select); coding-DNA position 998, one base deleted (C; older notation c.998delC).
Protein change: p.Pro333fs; shifts the reading frame from proline 333.
Molecular consequence: frameshift variant. On other transcripts: non-coding transcript variant (1).
Genome position (GRCh38, 1-based): chr5:110,761,523, C deleted; the last of 3 consecutive C bases (chr5:110,761,521-110,761,523); deleting any one gives the same sequence. VCF-style (leftmost placement, unchanged base first): chr5-110761520-AC-A. GRCh37 (hg19) VCF-style: chr5-110097220-AC-A.
Other names: c.755del, p.Pro252fs (NM_001303249.3); c.725del, p.Pro242fs (NM_001303250.3); short protein forms P242fs, P252fs, P333fs.
Identifiers: ClinVar variation 1768819 (VCV001768819.2), dbSNP rs2547533578, ClinGen allele CA2580072220.

ClinVar aggregate classification (germline): Likely pathogenic (1 of 4 stars; one submission).

Conditions:
Inborn genetic diseases. Identifiers: MedGen C0950123, MeSH D030342.

Submission:

Ambry Genetics
Classification: Likely pathogenic for Inborn genetic diseases. Last evaluated: 2020-03-10. Review status: criteria provided, single submitter. Criteria: Ambry Variant Classification Scheme 2023. Collection method: clinical testing. Allele origin: germline.
Comment: The c.998delC variant, located in coding exon 8 of the SLC25A46 gene, results from a deletion of one nucleotide at nucleotide position 998, causing a translational frameshift with a predicted alternate stop codon (p.P333Hfs*17). Frameshifts are typically deleterious in nature; however, this frameshift occurs at the 3' terminus of SLC25A46 and is not expected to trigger nonsense-mediated mRNA decay. While the exact functional impact of the removed amino acids is unknown at this time, this variant results in the removal of a substantial portion of the protein, including part of the mitochondrial carrier domain, and is expected to result in loss of function by premature protein truncation. In addition, this variant was not reported in population-based cohorts in the Genome Aggregation Database (gnomAD). Based on the majority of available evidence to date, this variant is likely to be pathogenic.